The following is an entry in ClinVar:

NM_000179.3(MSH6):c.3886A>G (p.Lys1296Glu)

Gene: MSH6 (mutS homolog 6; plus strand). Cytogenetic location: 2p16.3.
Variant type: single nucleotide variant.
Coding change: c.3886A>G on transcript NM_000179.3 (MANE Select); coding-DNA position 3886, A replaced by G.
Protein change: p.Lys1296Glu; replaces lysine 1296 with glutamic acid.
Molecular consequence: missense variant.
Genome position (GRCh38, 1-based): chr2:47,806,536, A>G. VCF-style: chr2-47806536-A-G. GRCh37 (hg19) VCF-style: chr2-48033675-A-G.
Other names: c.3496A>G, p.Lys1166Glu (NM_001281492.2); c.2980A>G, p.Lys994Glu (NM_001281493.2, NM_001281494.2); short protein forms K1296E, K994E, K1166E.
Identifiers: ClinVar variation 410393 (VCV000410393.26), dbSNP rs575714670, ClinGen allele CA16610959.

ClinVar aggregate classification (germline): Conflicting classifications of pathogenicity. Review status: criteria provided, conflicting classifications (1 of 4 stars). 7 submissions from 7 submitters: Uncertain significance (6); Likely benign (1). Last evaluated 2026-01-13.

Conditions:
Lynch syndrome. Identifiers: Orphanet 144, MedGen C4552100, MONDO:0005835. Disease mechanism: loss of function.
Hereditary nonpolyposis colorectal neoplasms. Identifiers: MedGen C0009405, MeSH D003123.
Hereditary cancer-predisposing syndrome. Also called: Tumor predisposition; Hereditary Cancer Syndrome; Hereditary neoplastic syndrome; Neoplastic Syndromes, Hereditary. Identifiers: Orphanet 140162, MedGen C0027672, MeSH D009386, MONDO:0015356.

Allele frequency attached by ClinVar (database versions not stated): gnomAD 0.00001; TOPMed 0.00001.

Submissions (7):

Labcorp Genetics (formerly Invitae), Labcorp
Classification: Likely benign for Hereditary nonpolyposis colorectal neoplasms. Last evaluated: 2026-01-13. Review status: criteria provided, single submitter. Criteria: Invitae Variant Classification Sherloc (09022015). Collection method: clinical testing. Allele origin: germline.

Color Diagnostics, LLC DBA Color Health
Classification: Uncertain significance for Hereditary cancer-predisposing syndrome. Last evaluated: 2025-10-07. Review status: criteria provided, single submitter. Criteria: ACMG Guidelines, 2015. Collection method: clinical testing. Allele origin: germline.
Comment: This missense variant replaces lysine with glutamic acid at codon 1296 of the MSH6 protein. Computational prediction suggests that this variant may have deleterious impact on protein structure and function. To our knowledge, functional studies have not been reported for this variant. This variant has not been reported in individuals affected with MSH6-related disorders in the literature. This variant has been identified in 4/1613870 chromosomes in the general population by the Genome Aggregation Database (gnomAD). The available evidence is insufficient to determine the role of this variant in disease conclusively. Therefore, this variant is classified as a Variant of Uncertain Significance.

Ambry Genetics
Classification: Uncertain significance for Hereditary cancer-predisposing syndrome. Last evaluated: 2025-06-18. Review status: criteria provided, single submitter. Criteria: Ambry Variant Classification Scheme 2023. Collection method: clinical testing. Allele origin: germline.

Women's Health and Genetics/Laboratory Corporation of America, LabCorp
Classification: Uncertain significance. Last evaluated: 2025-03-28. Review status: criteria provided, single submitter. Criteria: LabCorp Variant Classification Summary - May 2015. Collection method: clinical testing. Allele origin: germline.
Comment: Variant summary: MSH6 c.3886A>G (p.Lys1296Glu) results in a conservative amino acid change located in the C-terminal domain (IPR000432) of the encoded protein sequence. Four of five in-silico tools predict a damaging effect of the variant on protein function. The variant allele was found at a frequency of 4e-06 in 250668 control chromosomes (gnomAD v2.1). The available data on variant occurrences in the general population are insufficient to allow any conclusion about variant significance. To our knowledge, no occurrence of c.3886A>G in individuals affected with Hereditary Nonpolyposis Colorectal Cancer and no experimental evidence demonstrating its impact on protein function have been reported. ClinVar contains an entry for this variant (Variation ID: 410393). Based on the evidence outlined above, the variant was classified as uncertain significance.

All of Us Research Program, National Institutes of Health
Classification: Uncertain significance for Lynch syndrome. Last evaluated: 2023-04-27. Review status: criteria provided, single submitter. Criteria: ACMG Guidelines, 2015. Collection method: clinical testing. Allele origin: germline. Inheritance: Autosomal dominant inheritance. Observed: 1 variant allele, 1 heterozygote.
Comment: This missense variant replaces lysine with glutamic acid at codon 1296 of the MSH6 protein. Computational prediction tool suggests that this variant may have deleterious impact on protein structure and function (internally defined REVEL score threshold >= 0.7, PMID: 27666373). Splice site prediction tools suggest that this variant may not impact RNA splicing. To our knowledge, functional studies have not been performed for this variant. This variant has not been reported in individuals affected with hereditary cancer in the literature. This variant has been identified in 2/282052 chromosomes in the general population by the Genome Aggregation Database (gnomAD). The available evidence is insufficient to determine the role of this variant in disease conclusively. Therefore, this variant is classified as a Variant of Uncertain Significance.

This study involves interpretation of variants in research participants for the purpose of population health screening. Participant phenotype was not available at the time of variant classification. Additional details can be found in publication PMID: 35346344, PMCID: PMC8962531

Quest Diagnostics Nichols Institute San Juan Capistrano
Classification: Uncertain significance. Last evaluated: 2023-02-20. Review status: criteria provided, single submitter. Criteria: Quest Diagnostics criteria. Collection method: clinical testing. Allele origin: unknown.
Comment: The variant has not been reported in the published literature. The frequency of this variant in the general population, 0.0000071 (2/282052 chromosomes), is uninformative in assessment of its pathogenicity. Analysis of this variant using bioinformatics tools for the prediction of the effect of amino acid changes on protein structure and function yielded predictions that this variant is damaging. Based on the available information, we are unable to determine the clinical significance of this variant.

Sema4
Classification: Uncertain significance for Hereditary cancer-predisposing syndrome. Last evaluated: 2021-09-28. Review status: criteria provided, single submitter. Criteria: Sema4 Curation Guidelines. Collection method: curation. Allele origin: germline.
Comment: The MSH6 c.3886A>G (p.K1296E) variant has not been reported in the literature to our knowledge. It was observed in 2/35392 chromosomes of the Latino subpopulation in the large and broad cohorts of the Genome Aggregation Database (PMID: 32461654), and has been reported in ClinVar (Variation ID 410393). In silico tools suggest the impact of the variant on protein function is deleterious, though these predictions have not been confirmed by functional studies. The evidence is insufficient to meet ACMG/AMP criteria for classifying the variant as benign or pathogenic. Thus, the clinical significance of this variant is currently uncertain.